The following is an entry in ClinVar:

ClinVar aggregate classification (germline): Uncertain significance (1 of 4 stars; one submission).

Conditions:
Hereditary pancreatitis (PCTT). Also called: Hereditary chronic pancreatitis; PRSS1-Related Hereditary Pancreatitis. Identifiers: Orphanet 676, MedGen C0238339, MONDO:0008185, OMIM 167800.

Allele frequency attached by ClinVar (database versions not stated): gnomAD 0.00001; gnomAD exomes 0.00001; TOPMed 0.00001.
gnomAD v4.1: 9 of 1,614,100 alleles (0.00056%); highest among the groups gnomAD compares: African/African-American, 0.004%; no homozygotes.

Submission:

Ambry Genetics
Classification: Uncertain significance for Hereditary pancreatitis. Last evaluated: 2024-12-06. Review status: criteria provided, single submitter. Criteria: Ambry Variant Classification Scheme 2023. Collection method: clinical testing. Allele origin: germline.
Comment: The p.G159S variant (also known as c.475G>A), located in coding exon 5 of the CTRC gene, results from a G to A substitution at nucleotide position 475. The glycine at codon 159 is replaced by serine, an amino acid with similar properties. This amino acid position is highly conserved in available vertebrate species. In addition, this alteration is predicted to be deleterious by in silico analysis. Since supporting evidence is limited at this time, the clinical significance of this alteration remains unclear.

NM_007272.3(CTRC):c.475G>A (p.Gly159Ser)

Gene: CTRC (chymotrypsin C; plus strand). Cytogenetic location: 1p36.21.
Variant type: single nucleotide variant.
Coding change: c.475G>A on transcript NM_007272.3 (MANE Select); coding-DNA position 475, G replaced by A.
Protein change: p.Gly159Ser; replaces glycine 159 with serine.
Molecular consequence: missense variant.
Genome position (GRCh38, 1-based): chr1:15,443,537, G>A. VCF-style: chr1-15443537-G-A. GRCh37 (hg19) VCF-style: chr1-15770032-G-A.
Other names: short protein forms G159S.
Identifiers: ClinVar variation 1742891 (VCV001742891.4), dbSNP rs1019047216, ClinGen allele CA18252431.
Genomic context (GRCh38, chr1:15,443,537, plus strand): 5'-GTGGCCTGCCTGCCAGAGAAGGACTCCCTGCTCCCCAAGGACTACCCCTGCTATGTCACC[G>A]GCTGGGGCCGCCTCTGGAGTGAGTATCGTCCCTGGCAAATCCTGAGAGCCTTCCTGAAGG-3'
Protein context (NP_009203.2, residues 149-169): LPKDYPCYVT[Gly159Ser]WGRLWTNGPI